The following is an entry in ClinVar:

NM_002718.5(PPP2R3A):c.3223-5_3223-2dup

Gene: PPP2R3A (protein phosphatase 2 regulatory subunit B''alpha; plus strand). Cytogenetic location: 3q22.3.
Variant type: Duplication.
Coding change: c.3223-5_3223-2dup on transcript NM_002718.5 (MANE Select); 5 bases into the intron before coding-DNA position 3223 through the canonical splice acceptor site of the intron before coding-DNA position 3223, 4 bases duplicated (ATCA; older notation c.3223-5_3223-2dupATCA).
Molecular consequence: splice acceptor variant.
Genome position (GRCh38, 1-based): chr3:136,106,211-136,106,214, ATCA duplicated; duplicating any 4 consecutive bases within chr3:136,106,209-136,106,214 gives the same sequence; the c. name uses the placement nearest the transcript's 3' end. VCF-style (leftmost placement, unchanged base first): chr3-136106208-C-CCAAT. GRCh37 (hg19) VCF-style: chr3-135825050-C-CCAAT.
Other names: NC_000003.11:g.135825053_135825056dup; c.1015-5_1015-2dup (NM_001190447.2); c.1360-5_1360-2dup (NM_181897.3).
Identifiers: ClinVar variation 3056051 (VCV003056051.3), dbSNP rs200024034, ClinGen allele CA2631115.
Genomic context (GRCh38, chr3:136,106,208, plus strand): 5'-GATGATCTATCTCCAATTCTTTGTCTTTGATTTTTTTTATTTCTCGTGGCTGTCTTCTTT[C>CCAAT]CAATCAGGATGTTGAGAACGATGGGCCTGAGCCCTCAGACTGGGACCGGTTTGCCGCTGA-3'

ClinVar aggregate classification (germline): Benign (0 of 4 stars; one submission).

Conditions:
PPP2R3A-related disorder. Also called: PPP2R3A-related condition.

Submissions (3):

PreventionGenetics, part of Exact Sciences
Classification: Benign for PPP2R3A-related condition. Last evaluated: 2019-02-20. Review status: no assertion criteria provided. Collection method: clinical testing. Allele origin: germline.
Comment: This variant is classified as benign based on ACMG/AMP sequence variant interpretation guidelines (Richards et al. 2015 PMID: 25741868, with internal and published modifications).

Dr. Peter K. Rogan Lab, Western University
No classification provided (evidence only). Condition: Chronic lymphocytic leukemia/small lymphocytic lymphoma. Review status: no classification provided. Collection method: in vitro. Allele origin: not applicable. Functional consequence: retained intron. Not counted in ClinVar's aggregate classification.

Dr. Peter K. Rogan Lab, Western University
No classification provided (evidence only). Condition: Nonpapillary renal cell carcinoma. Review status: no classification provided. Collection method: in vitro. Allele origin: not applicable. Functional consequence: retained intron. Not counted in ClinVar's aggregate classification.